The following is an entry in ClinVar:

NM_015450.3(POT1):c.950G>A (p.Ser317Asn)

Gene: POT1 (protection of telomeres 1; minus strand). Cytogenetic location: 7q31.33.
Variant type: single nucleotide variant.
Coding change: c.950G>A on transcript NM_015450.3 (MANE Select); coding-DNA position 950, G replaced by A.
Protein change: p.Ser317Asn; replaces serine 317 with asparagine.
Molecular consequence: missense variant. On other transcripts: non-coding transcript variant (3).
Genome position (GRCh38, 1-based): chr7:124,846,998, C>T on the plus strand (G>A on the coding strand, the complement: POT1 is on the minus strand). VCF-style: chr7-124846998-C-T. GRCh37 (hg19) VCF-style: chr7-124487052-C-T.
Other names: c.557G>A, p.Ser186Asn (NM_001042594.2); short protein forms S186N, S317N.
Identifiers: ClinVar variation 1767219 (VCV001767219.2), dbSNP rs2485418734, ClinGen allele CA369053865.
Genomic context (GRCh38, chr7:124,846,998, plus strand): 5'-TTACTTGTAGCAGATAGCTGTTGACATCTTTCTACCTCGTATAATGATACTGATCCAGAG[C>T]CTATAAAAAGGAAAAGGCAAAAAAATTAAGTCCATTACAACTTCATTGTAGAACTGAAAA-3'
Protein context (NP_056265.2, residues 307-327): CQSEPDDSFP[Ser317Asn]SGSVSLYEVE

ClinVar aggregate classification (germline): Uncertain significance (1 of 4 stars; one submission).

Conditions:
Hereditary cancer-predisposing syndrome. Also called: Hereditary Cancer Syndrome; Hereditary neoplastic syndrome; Neoplastic Syndromes, Hereditary; Tumor predisposition. Identifiers: Orphanet 140162, MedGen C0027672, MeSH D009386, MONDO:0015356.

Submission:

Ambry Genetics
Classification: Uncertain significance for Hereditary cancer-predisposing syndrome. Last evaluated: 2022-06-25. Review status: criteria provided, single submitter. Criteria: Ambry Variant Classification Scheme 2023. Collection method: clinical testing. Allele origin: germline.
Comment: The p.S317N variant (also known as c.950G>A) is located in coding exon 8 of the POT1 gene. The serine at codon 317 is replaced by asparagine, an amino acid with highly similar properties. This change occurs in the first base pair of coding exon 8. This amino acid position is conserved. In addition, this alteration is predicted to be tolerated by in silico analysis. Since supporting evidence is limited at this time, the clinical significance of this alteration remains unclear.